The following is an entry in ClinVar:

NM_031433.4(MFRP):c.1114C>G (p.Leu372Val)

Genes: C1QTNF5 (C1q and TNF related 5; minus strand), MFRP (membrane frizzled-related protein; minus strand). Cytogenetic location: 11q23.3.
Variant type: single nucleotide variant.
Coding change: c.1114C>G on transcript NM_031433.4 (MANE Select); coding-DNA position 1114, C replaced by G.
Protein change: p.Leu372Val; replaces leucine 372 with valine.
Molecular consequence: missense variant. On other transcripts: 5 prime UTR variant (1).
Genome position (GRCh38, 1-based): chr11:119,343,826, G>C on the plus strand (C>G on the coding strand, the complement: MFRP is on the minus strand). VCF-style: chr11-119343826-G-C. GRCh37 (hg19) VCF-style: chr11-119214536-G-C.
Other names: c.-1523C>G (NM_015645.5); short protein forms L372V.
Identifiers: ClinVar variation 1005251 (VCV001005251.7), dbSNP rs201874769, ClinGen allele CA6320255.

ClinVar aggregate classification (germline): Uncertain significance (1 of 4 stars; one submission).

Conditions:
Isolated microphthalmia 5. Also called: Posterior Microphthalmia with Retinitis Pigmentosa, Foveoschisis, and Optic Disc Drusen. Identifiers: Orphanet 251279, MedGen C1970236, MONDO:0012605, OMIM 611040.

Allele frequency attached by ClinVar (database versions not stated): 1000 Genomes Project below 0.00001; 1000 Genomes Project 30x 0.00016.
gnomAD v4.1: 4 of 1,613,966 alleles (0.00025%); highest among the groups gnomAD compares: Admixed American, 0.0067%; no homozygotes.

Submission:

Labcorp Genetics (formerly Invitae), Labcorp
Classification: Uncertain significance for Isolated microphthalmia 5. Last evaluated: 2021-12-23. Review status: criteria provided, single submitter. Criteria: Invitae Variant Classification Sherloc (09022015). Collection method: clinical testing. Allele origin: germline.
Comment: This sequence change replaces leucine, which is neutral and non-polar, with valine, which is neutral and non-polar, at codon 372 of the MFRP protein (p.Leu372Val). This variant is present in population databases (rs201874769, gnomAD 0.009%). This variant has not been reported in the literature in individuals affected with MFRP-related conditions. ClinVar contains an entry for this variant (Variation ID: 1005251). Algorithms developed to predict the effect of missense changes on protein structure and function are either unavailable or do not agree on the potential impact of this missense change (SIFT: "Tolerated"; PolyPhen-2: "Possibly Damaging"; Align-GVGD: "Class C0"). In summary, the available evidence is currently insufficient to determine the role of this variant in disease. Therefore, it has been classified as a Variant of Uncertain Significance.